The following is an entry in ClinVar:

ClinVar aggregate classification (germline): Uncertain significance (1 of 4 stars; one submission).

Submission:

GeneDx
Classification: Uncertain significance. Last evaluated: 2025-08-20. Review status: criteria provided, single submitter. Criteria: GeneDx Variant Classification Process June 2021. Collection method: clinical testing. Allele origin: germline. Affected: yes.
Comment: Not observed at significant frequency in large population cohorts (gnomAD); In silico analysis supports that this missense variant has a deleterious effect on protein structure/function; This variant is associated with the following publications: (PMID: 24498598)

NM_003106.4(SOX2):c.302A>G (p.His101Arg)

Genes: SOX2 (SRY-box transcription factor 2; plus strand), SOX2-OT (SOX2 overlapping transcript; plus strand), LOC108281177 (SOX2 5' regulatory region; plus strand). Cytogenetic location: 3q26.33.
Variant type: single nucleotide variant.
Coding change: c.302A>G on transcript NM_003106.4 (MANE Select); coding-DNA position 302, A replaced by G.
Protein change: p.His101Arg; replaces histidine 101 with arginine.
Molecular consequence: missense variant.
Genome position (GRCh38, 1-based): chr3:181,712,662, A>G. VCF-style: chr3-181712662-A-G. GRCh37 (hg19) VCF-style: chr3-181430450-A-G.
Other names: short protein forms H101R.
Identifiers: ClinVar variation 1303152 (VCV001303152.3), dbSNP rs2108522102, ClinGen allele CA355473574.
Genomic context (GRCh38, chr3:181,712,662, plus strand): 5'-TTTTGTCGGAGACGGAGAAGCGGCCGTTCATCGACGAGGCTAAGCGGCTGCGAGCGCTGC[A>G]CATGAAGGAGCACCCGGATTATAAATACCGGCCCCGGCGGAAAACCAAGACGCTCATGAA-3'
Protein context (NP_003097.1, residues 91-111): IDEAKRLRAL[His101Arg]MKEHPDYKYR